The following is an entry in ClinVar:

ClinVar aggregate classification (germline): Likely pathogenic (1 of 4 stars; one submission).

Submission:

Labcorp Genetics (formerly Invitae), Labcorp
Classification: Likely pathogenic. Last evaluated: 2022-06-13. Review status: criteria provided, single submitter. Criteria: Invitae Variant Classification Sherloc (09022015). Collection method: clinical testing. Allele origin: germline.
Comment: In summary, the currently available evidence indicates that the variant is pathogenic, but additional data are needed to prove that conclusively. Therefore, this variant has been classified as Likely Pathogenic. Algorithms developed to predict the effect of sequence changes on RNA splicing suggest that this variant may disrupt the consensus splice site. This variant has not been reported in the literature in individuals affected with IMPG2-related conditions. This variant is not present in population databases (gnomAD no frequency). This sequence change affects a donor splice site in intron 10 of the IMPG2 gene. It is expected to disrupt RNA splicing. Variants that disrupt the donor or acceptor splice site typically lead to a loss of protein function (PMID: 16199547), and loss-of-function variants in IMPG2 are known to be pathogenic (PMID: 20673862).

Literature cited by the submitters: PubMed 16199547; PubMed 20673862.

NM_016247.4(IMPG2):c.1153+1G>C

Gene: IMPG2 (interphotoreceptor matrix proteoglycan 2; minus strand). Cytogenetic location: 3q12.3.
Variant type: single nucleotide variant.
Coding change: c.1153+1G>C on transcript NM_016247.4 (MANE Select); the canonical splice donor site of the intron after coding-DNA position 1153, G replaced by C.
Molecular consequence: splice donor variant.
Genome position (GRCh38, 1-based): chr3:101,257,528, C>G on the plus strand (G>C on the coding strand, the complement: IMPG2 is on the minus strand). VCF-style: chr3-101257528-C-G. GRCh37 (hg19) VCF-style: chr3-100976372-C-G.
Identifiers: ClinVar variation 1522375 (VCV001522375.8), dbSNP rs2107234582, ClinGen allele CA353865229.